The following is an entry in ClinVar:

NM_004977.3(KCNC3):c.990C>T (p.Pro330=)

Gene: KCNC3 (potassium voltage-gated channel subfamily C member 3; minus strand). Cytogenetic location: 19q13.33.
Variant type: single nucleotide variant.
Coding change: c.990C>T on transcript NM_004977.3 (MANE Select); coding-DNA position 990, C replaced by T.
Protein change: p.Pro330=; no amino-acid change (proline 330 retained).
Molecular consequence: synonymous variant.
Genome position (GRCh38, 1-based): chr19:50,323,963, G>A on the plus strand (C>T on the coding strand, the complement: KCNC3 is on the minus strand). VCF-style: chr19-50323963-G-A. GRCh37 (hg19) VCF-style: chr19-50827220-G-A.
Other names: c.762C>T, p.Pro254= (NM_001372305.1).
Identifiers: ClinVar variation 717092 (VCV000717092.16), dbSNP rs146772778, ClinGen allele CA9594309.

ClinVar aggregate classification (germline): Benign/Likely benign. Review status: criteria provided, multiple submitters, no conflicts (2 of 4 stars). 4 submissions from 4 submitters: Benign (2); Likely benign (1). 1 of the submissions does not count toward it. Last evaluated 2026-05-01.

Conditions:
KCNC3-related disorder. Also called: KCNC3-related condition.

Allele frequency attached by ClinVar (database versions not stated): gnomAD exomes 0.00014 and 0.00022; ExAC 0.00027; ESP Exome Variant Server 0.00062; gnomAD 0.00068 and 0.00070; TOPMed 0.00073; 1000 Genomes Project 0.00080; 1000 Genomes Project 30x 0.00109.
gnomAD v4.1: 303 of 1,613,592 alleles (0.019%); highest among the groups gnomAD compares: African/African-American, 0.21%; no homozygotes.

Submissions (4):

CeGaT Center for Human Genetics Tuebingen
Classification: Likely benign. Last evaluated: 2026-05-01. Review status: criteria provided, single submitter. Criteria: CeGaT Center For Human Genetics Tuebingen Variant Classification Criteria Version 2. Collection method: clinical testing. Allele origin: germline. Affected: yes. Observed: 2 variant alleles.
Comment: KCNC3: BP4, BP7

Labcorp Genetics (formerly Invitae), Labcorp
Classification: Benign. Last evaluated: 2025-08-18. Review status: criteria provided, single submitter. Criteria: Invitae Variant Classification Sherloc (09022015). Collection method: clinical testing. Allele origin: germline.

Breakthrough Genomics
Classification: Benign. Review status: criteria provided, single submitter. Criteria: ACMG Guidelines, 2015. Collection method: not provided. Allele origin: germline. Inheritance: Autosomal dominant inheritance. Affected: yes.

PreventionGenetics, part of Exact Sciences
Classification: Likely benign for KCNC3-related condition. Last evaluated: 2019-06-25. Review status: no assertion criteria provided. Collection method: clinical testing. Allele origin: germline. Not counted in ClinVar's aggregate classification.
Comment: This variant is classified as likely benign based on ACMG/AMP sequence variant interpretation guidelines (Richards et al. 2015 PMID: 25741868, with internal and published modifications).